The following is an entry in ClinVar:

NM_000312.4(PROC):c.889G>C (p.Asp297His)

Gene: PROC (protein C, inactivator of coagulation factors Va and VIIIa; plus strand). Cytogenetic location: 2q14.3.
Variant type: single nucleotide variant.
Coding change: c.889G>C on transcript NM_000312.4 (MANE Select); coding-DNA position 889, G replaced by C.
Protein change: p.Asp297His; replaces aspartic acid 297 with histidine.
Molecular consequence: missense variant.
Genome position (GRCh38, 1-based): chr2:127,428,449, G>C. VCF-style: chr2-127428449-G-C. GRCh37 (hg19) VCF-style: chr2-128186025-G-C.
Other names: c.1072G>C, p.Asp358His (NM_001375602.1); c.1054G>C, p.Asp352His (NM_001375603.1); c.952G>C, p.Asp318His (NM_001375604.1); c.991G>C, p.Asp331His (NM_001375605.1); c.1057G>C, p.Asp353His (NM_001375606.1); c.1075G>C, p.Asp359His (NM_001375607.1); c.832G>C, p.Asp278His (NM_001375608.1); c.865G>C, p.Asp289His (NM_001375609.1); and 2 more; short protein forms D297H, D278H, D289H, D295H, D318H, D331H, D352H, D353H.
Identifiers: ClinVar variation 663591 (VCV000663591.15), dbSNP rs199469471, ClinGen allele CA1859481.

ClinVar aggregate classification (germline): Pathogenic. Review status: criteria provided, multiple submitters, no conflicts (2 of 4 stars). 3 submissions from 3 submitters: Pathogenic (3). Last evaluated 2025-11-17.

Conditions:
Thrombophilia due to protein C deficiency, autosomal recessive. Also called: PROC DEFICIENCY, AUTOSOMAL RECESSIVE; PROTEIN C DEFICIENCY, AUTOSOMAL RECESSIVE. Identifiers: Orphanet 745, MedGen C2676759, MONDO:0012860, OMIM 612304.
Thrombophilia due to protein C deficiency, autosomal dominant. Also called: PROC DEFICIENCY, AUTOSOMAL DOMINANT; PROTEIN C DEFICIENCY, AUTOSOMAL DOMINANT. Identifiers: Orphanet 745, MedGen C2674321, MONDO:0008316, OMIM 176860. Disease mechanism: loss of function.

Allele frequency attached by ClinVar (database versions not stated): TOPMed 0.00004; gnomAD 0.00013.

Submissions (3):

Labcorp Genetics (formerly Invitae), Labcorp
Classification: Pathogenic for Thrombophilia due to protein C deficiency, autosomal dominant. Last evaluated: 2025-11-17. Review status: criteria provided, single submitter. Criteria: Invitae Variant Classification Sherloc (09022015). Collection method: clinical testing. Allele origin: germline.
Comment: This sequence change replaces aspartic acid, which is acidic and polar, with histidine, which is basic and polar, at codon 297 of the PROC protein (p.Asp297His). This variant is present in population databases (rs199469471, gnomAD 0.04%). This missense change has been observed in individuals with protein C deficiency (PMID: 18573519, 24782131, 25393254, 25748729, 27517348). It has also been observed to segregate with disease in related individuals. This variant is also known as D255H. ClinVar contains an entry for this variant (Variation ID: 663591). Invitae Evidence Modeling of protein sequence and biophysical properties (such as structural, functional, and spatial information, amino acid conservation, physicochemical variation, residue mobility, and thermodynamic stability) has been performed for this missense variant. However, the output from this modeling did not meet the statistical confidence thresholds required to predict the impact of this variant on PROC protein function. Experimental studies have shown that this missense change affects PROC function (PMID: 21744130, 25393254, 25748729). For these reasons, this variant has been classified as Pathogenic.

Fulgent Genetics
Classification: Pathogenic for Thrombophilia due to protein C deficiency, autosomal dominant; Thrombophilia due to protein C deficiency, autosomal recessive. Last evaluated: 2024-01-04. Review status: criteria provided, single submitter. Criteria: ACMG Guidelines, 2015. Collection method: clinical testing. Allele origin: germline.

Juno Genomics, Hangzhou Juno Genomics, Inc
Classification: Pathogenic for Thrombophilia due to protein C deficiency, autosomal recessive. Review status: criteria provided, single submitter. Criteria: ACMG Guidelines, 2015. Collection method: clinical testing. Allele origin: germline.
Comment: Absent from controls (or at extremely low frequency if recessive) in Genome Aggregation Database.;For recessive disorders, detected in trans with a pathogenic variant.;Patient's phenotype or family history is highly specific for a disease with a single genetic etiology.;Co-segregation with disease in multiple affected family members.;Multiple lines of computational evidence support a deleterious effect on the gene or gene product.

Literature cited by the submitters: PubMed 18573519 (cited by Labcorp Genetics (formerly Invitae), Labcorp); PubMed 24782131 (cited by Labcorp Genetics (formerly Invitae), Labcorp); PubMed 25393254 (cited by Labcorp Genetics (formerly Invitae), Labcorp); PubMed 25748729 (cited by Labcorp Genetics (formerly Invitae), Labcorp); PubMed 27517348 (cited by Labcorp Genetics (formerly Invitae), Labcorp); PubMed 21744130 (cited by Labcorp Genetics (formerly Invitae), Labcorp).